The following is an entry in ClinVar:

NM_017637.6(BNC2):c.1637T>C (p.Leu546Pro)

Gene: BNC2 (basonuclin zinc finger protein 2; minus strand). Cytogenetic location: 9p22.3.
Variant type: single nucleotide variant.
Coding change: c.1637T>C on transcript NM_017637.6 (MANE Select); coding-DNA position 1637, T replaced by C.
Protein change: p.Leu546Pro; replaces leucine 546 with proline.
Molecular consequence: missense variant.
Genome position (GRCh38, 1-based): chr9:16,436,557, A>G on the plus strand (T>C on the coding strand, the complement: BNC2 is on the minus strand). VCF-style: chr9-16436557-A-G. GRCh37 (hg19) VCF-style: chr9-16436555-A-G.
Other names: c.1511T>C, p.Leu504Pro (NM_001317939.2); c.1352T>C, p.Leu451Pro (NM_001317940.2); short protein forms L451P, L504P, L546P.
Identifiers: ClinVar variation 2419689 (VCV002419689.6), dbSNP rs1252362081, ClinGen allele CA372993101.

ClinVar aggregate classification (germline): Uncertain significance (1 of 4 stars; one submission).

Allele frequency attached by ClinVar (database versions not stated): gnomAD exomes below 0.00001; TOPMed below 0.00001.
gnomAD v4.1: 1 of 1,614,152 alleles (0.000062%); highest among the groups gnomAD compares: Non-Finnish European, 0.000085%; no homozygotes.

Submission:

Labcorp Genetics (formerly Invitae), Labcorp
Classification: Uncertain significance. Last evaluated: 2022-04-04. Review status: criteria provided, single submitter. Criteria: Invitae Variant Classification Sherloc (09022015). Collection method: clinical testing. Allele origin: germline.
Comment: This sequence change replaces leucine, which is neutral and non-polar, with proline, which is neutral and non-polar, at codon 546 of the BNC2 protein (p.Leu546Pro). This variant is present in population databases (no rsID available, gnomAD 0.0009%). This variant has not been reported in the literature in individuals affected with BNC2-related conditions. Algorithms developed to predict the effect of missense changes on protein structure and function are either unavailable or do not agree on the potential impact of this missense change (SIFT: "Deleterious"; PolyPhen-2: "Possibly Damaging"; Align-GVGD: "Class C0"). In summary, the available evidence is currently insufficient to determine the role of this variant in disease. Therefore, it has been classified as a Variant of Uncertain Significance.